The following is an entry in ClinVar:

ClinVar aggregate classification (germline): Conflicting classifications of pathogenicity. Review status: criteria provided, conflicting classifications (1 of 4 stars). 2 submissions from 2 submitters: Likely pathogenic (1); Uncertain significance (1). Last evaluated 2024-10-08.

Conditions:
X-linked sideroblastic anemia 1. Also called: Anemia, sideroblastic, 1; Anemia, hereditary sideroblastic 1, pyridoxine refractory; Erythroid 5-aminolevulinate synthase deficiency; X chromosome-linked sideroblastic anemia; X-linked pyridoxine-refractory sideroblastic anemia; ANEMIA, SIDEROBLASTIC, 1, PYRIDOXINE REFRACTORY. Identifiers: Orphanet 75563, MedGen C4551511, MONDO:0020721, OMIM 300751. Disease mechanism: loss of function.

Submissions (2):

Victorian Clinical Genetics Services, Murdoch Childrens Research Institute
Classification: Likely pathogenic for X-linked sideroblastic anemia 1. Last evaluated: 2024-10-08. Review status: criteria provided, single submitter. Criteria: ACMG Guidelines, 2015. Collection method: clinical testing. Allele origin: germline. Inheritance: X-linked recessive inheritance. Affected: yes.
Comment: Based on the classification scheme VCGS_Germline_v1.3.4, this variant is classified as Likely pathogenic. Following criteria are met: 0103 - Loss of function and gain of function are known mechanisms of disease in this gene and are associated with sideroblastic anaemia 1 (MIM#300751; PMID: 34781359) and erythropoietic protoporphyria (MIM#300752; PMID: 23263862), respectively. (I) 0108 - This gene is associated with both X-linked recessive and dominant disease (OMIM). (I) 0115 - Variants in this gene are known to have variable expressivity. Variable severity has been reported for sideroblastic anaemia (OMIM). (I) 0200 - Variant is predicted to result in a missense amino acid change from arginine to histidine. (I) 0251 - This variant is heterozygous. (I) 0301 - Variant is absent from gnomAD (both v2 and v3). (SP) 0501 - Missense variant consistently predicted to be damaging by multiple in silico tools or highly conserved with a major amino acid change. (SP) 0600 - Variant is located in the annotated Aminotransferase class I and II domain (DECIPHER). (I) 0703 - Other missense variants comparable to the one identified in this case have moderate previous evidence for pathogenicity. p.(Arg227Cys) has been reported in a family with three females affected with ring sideroblastic and macrocytic anaemia (PMID: 34781359) and in an individual from a sideroblastic anaemia cohort, although specific clinical details were not provided (PMID: 20848343). p.(Arg227Lys) has been reported in an individual with severe macrocytic anaemia (PMID: 31338833). (SP) 0809 - Previous evidence of pathogenicity for this variant is inconclusive. It has been classified as a VUS in ClinVar. (I) 0905 - No published segregation evidence has been identified for this variant. (I) 1007 - No published functional evidence has been identified for this variant. (I) 1208 - Inheritance information for this variant is not currently available in this individual. (I) Legend: (SP) - Supporting pathogenic, (I) - Information, (SB) - Supporting benign

Revvity Omics, Revvity
Classification: Uncertain significance. Last evaluated: 2022-11-04. Review status: criteria provided, single submitter. Criteria: ACMG Guidelines, 2015. Collection method: clinical testing. Allele origin: germline.

Literature cited by the submitters: PubMed 20848343 (cited by Victorian Clinical Genetics Services, Murdoch Childrens Research Institute); PubMed 23263862 (cited by Victorian Clinical Genetics Services, Murdoch Childrens Research Institute); PubMed 24166784 (cited by Victorian Clinical Genetics Services, Murdoch Childrens Research Institute); PubMed 31338833 (cited by Victorian Clinical Genetics Services, Murdoch Childrens Research Institute); PubMed 34781359 (cited by Victorian Clinical Genetics Services, Murdoch Childrens Research Institute).

NM_000032.5(ALAS2):c.680G>A (p.Arg227His)

Gene: ALAS2 (5'-aminolevulinate synthase 2; minus strand). Cytogenetic location: Xp11.21.
Variant type: single nucleotide variant.
Coding change: c.680G>A on transcript NM_000032.5 (MANE Select); coding-DNA position 680, G replaced by A.
Protein change: p.Arg227His; replaces arginine 227 with histidine.
Molecular consequence: missense variant.
Genome position (GRCh38, 1-based): chrX:55,020,463, C>T on the plus strand (G>A on the coding strand, the complement: ALAS2 is on the minus strand). VCF-style: chrX-55020463-C-T. GRCh37 (hg19) VCF-style: chrX-55046896-C-T.
Other names: c.569G>A, p.Arg190His (NM_001037967.4); c.641G>A, p.Arg214His (NM_001037968.4); short protein forms R190H, R214H, R227H.
Identifiers: ClinVar variation 2438965 (VCV002438965.4), dbSNP rs866599436, ClinGen allele CA328973607.